The following is an entry in ClinVar:

ClinVar aggregate classification (germline): Uncertain significance. Review status: criteria provided, multiple submitters, no conflicts (2 of 4 stars). 2 submissions from 2 submitters: Uncertain significance (2). Last evaluated 2025-01-10.

Conditions:
Inborn genetic diseases. Identifiers: MedGen C0950123, MeSH D030342.
Autoimmune lymphoproliferative syndrome, type III caused by mutation in PRKCD. Identifiers: Orphanet 3261, Orphanet 664711, MedGen C3809928, MONDO:8000024, OMIM 615559.

Allele frequency attached by ClinVar (database versions not stated): ExAC 0.00002; TOPMed 0.00002; gnomAD exomes 0.00002; ESP Exome Variant Server 0.00008; gnomAD 0.00002.
gnomAD v4.1: 31 of 1,613,834 alleles (0.0019%); highest among the groups gnomAD compares: Admixed American, 0.0017%; no homozygotes.

Submissions (2):

Ambry Genetics
Classification: Uncertain significance for Inborn genetic diseases. Last evaluated: 2025-01-10. Review status: criteria provided, single submitter. Criteria: Ambry Variant Classification Scheme 2023. Collection method: clinical testing. Allele origin: germline.

Labcorp Genetics (formerly Invitae), Labcorp
Classification: Uncertain significance for Autoimmune lymphoproliferative syndrome, type III caused by mutation in PRKCD. Last evaluated: 2024-11-19. Review status: criteria provided, single submitter. Criteria: Invitae Variant Classification Sherloc (09022015). Collection method: clinical testing. Allele origin: germline.
Comment: This sequence change replaces arginine, which is basic and polar, with cysteine, which is neutral and slightly polar, at codon 444 of the PRKCD protein (p.Arg444Cys). This variant is present in population databases (rs372673092, gnomAD 0.02%). This variant has not been reported in the literature in individuals affected with PRKCD-related conditions. ClinVar contains an entry for this variant (Variation ID: 2156163). An algorithm developed to predict the effect of missense changes on protein structure and function (PolyPhen-2) suggests that this variant is likely to be disruptive. In summary, the available evidence is currently insufficient to determine the role of this variant in disease. Therefore, it has been classified as a Variant of Uncertain Significance.

NM_006254.4(PRKCD):c.1330C>T (p.Arg444Cys)

Gene: PRKCD (protein kinase C delta; plus strand). Cytogenetic location: 3p21.1.
Variant type: single nucleotide variant.
Coding change: c.1330C>T on transcript NM_006254.4 (MANE Select); coding-DNA position 1330, C replaced by T.
Protein change: p.Arg444Cys; replaces arginine 444 with cysteine.
Molecular consequence: missense variant.
Genome position (GRCh38, 1-based): chr3:53,186,673, C>T. VCF-style: chr3-53186673-C-T. GRCh37 (hg19) VCF-style: chr3-53220689-C-T.
Other names: c.1330C>T (NM_006254.3); c.1330C>T, p.Arg444Cys (NM_001316327.2, NM_001354679.2, NM_001354680.2 and 1 more transcripts); c.1387C>T, p.Arg463Cys (NM_001354676.2); c.1378C>T, p.Arg460Cys (NM_001354678.2); short protein forms R463C, R444C, R460C.
Identifiers: ClinVar variation 2156163 (VCV002156163.4), dbSNP rs372673092, ClinGen allele CA2452141.